The following is an entry in ClinVar:

ClinVar aggregate classification (germline): Likely pathogenic (1 of 4 stars; one submission).

Conditions:
Dilated cardiomyopathy 1G (CMD1G). Identifiers: Orphanet 154, MedGen C1858763, MONDO:0011400, OMIM 604145.
Autosomal recessive limb-girdle muscular dystrophy type 2J (LGMDR10). Also called: Limb-girdle muscular dystrophy, type 2J; MUSCULAR DYSTROPHY, LIMB-GIRDLE, AUTOSOMAL RECESSIVE 10. Identifiers: Orphanet 140922, MedGen C1837342, MONDO:0012127, OMIM 608807.

Submission:

Labcorp Genetics (formerly Invitae), Labcorp
Classification: Likely pathogenic for Dilated cardiomyopathy 1G; Autosomal recessive limb-girdle muscular dystrophy type 2J. Last evaluated: 2022-10-17. Review status: criteria provided, single submitter. Criteria: Invitae Variant Classification Sherloc (09022015). Collection method: clinical testing. Allele origin: germline.
Comment: In summary, the currently available evidence indicates that the variant is pathogenic, but additional data are needed to prove that conclusively. Therefore, this variant has been classified as Likely Pathogenic. This sequence change creates a premature translational stop signal (p.Pro24125Serfs*2) in the TTN gene. While this is not anticipated to result in nonsense mediated decay, it is expected to create a truncated TTN protein. This variant is not present in population databases (gnomAD no frequency). This variant has not been reported in the literature in individuals affected with TTN-related conditions. This variant is located in the A band of TTN (PMID: 25589632). Truncating variants in this region are significantly overrepresented in patients affected with dilated cardiomyopathy (PMID: 25589632). Truncating variants in this region have also been reported in individuals affected with autosomal recessive centronuclear myopathy (PMID: 23975875).

Literature cited by the submitters: PubMed 25589632; PubMed 23975875.

NM_001267550.2(TTN):c.72356_72371dup (p.Gly24124_Pro24125insSerTer)

Genes: TTN (titin; minus strand), TTN-AS1 (TTN antisense RNA 1; plus strand). Cytogenetic location: 2q31.2.
Variant type: Duplication.
Coding change: c.72356_72371dup on transcript NM_001267550.2 (MANE Select); coding-DNA positions 72356 to 72371, 16 bases duplicated (TTCTTGACAGACCAGG).
Protein change: p.Gly24124_Pro24125insSerTer.
Molecular consequence: nonsense, inframe insertion.
Genome position (GRCh38, 1-based): chr2:178,573,761-178,573,776, CCTGGTCTGTCAAGAA duplicated on the plus strand (TTCTTGACAGACCAGG on the coding strand, the reverse complement: TTN is on the minus strand); duplicating any 16 consecutive bases within chr2:178,573,761-178,573,777 gives the same sequence; the c. name uses the placement nearest the transcript's 3' end. VCF-style (leftmost placement, unchanged base first): chr2-178573760-G-GCCTGGTCTGTCAAGAA. GRCh37 (hg19) VCF-style: chr2-179438487-G-GCCTGGTCTGTCAAGAA.
Other names: c.67433_67448dup, p.Gly22483_Pro22484insSerTer (NM_001256850.1); c.45161_45176dup, p.Gly15059_Pro15060insSerTer (NM_003319.4); c.64652_64667dup, p.Gly21556_Pro21557insSerTer (NM_133378.4); c.45536_45551dup, p.Gly15184_Pro15185insSerTer (NM_133432.3); c.45737_45752dup, p.Gly15251_Pro15252insSerTer (NM_133437.4).
Identifiers: ClinVar variation 2033255 (VCV002033255.4), dbSNP rs2468599238, ClinGen allele CA2580064840.